The following is an entry in ClinVar:

ClinVar aggregate classification (germline): Uncertain significance (1 of 4 stars; one submission).

Submission:

Labcorp Genetics (formerly Invitae), Labcorp
Classification: Uncertain significance. Last evaluated: 2023-04-17. Review status: criteria provided, single submitter. Criteria: Invitae Variant Classification Sherloc (09022015). Collection method: clinical testing. Allele origin: germline.
Comment: This variant has not been reported in the literature in individuals affected with DNM1L-related conditions. In summary, the available evidence is currently insufficient to determine the role of this variant in disease. Therefore, it has been classified as a Variant of Uncertain Significance. An algorithm developed to predict the effect of missense changes on protein structure and function (PolyPhen-2) suggests that this variant is likely to be disruptive. This variant is not present in population databases (gnomAD no frequency). This sequence change replaces glycine, which is neutral and non-polar, with tryptophan, which is neutral and slightly polar, at codon 47 of the DNM1L protein (p.Gly47Trp).

NM_012062.5(DNM1L):c.139G>T (p.Gly47Trp)

Gene: DNM1L (dynamin 1 like; plus strand). Cytogenetic location: 12p11.21.
Variant type: single nucleotide variant.
Coding change: c.139G>T on transcript NM_012062.5 (MANE Select); coding-DNA position 139, G replaced by T.
Protein change: p.Gly47Trp; replaces glycine 47 with tryptophan.
Molecular consequence: missense variant. On other transcripts: 5 prime UTR variant (1).
Genome position (GRCh38, 1-based): chr12:32,701,451, G>T. VCF-style: chr12-32701451-G-T. GRCh37 (hg19) VCF-style: chr12-32854385-G-T.
Other names: c.139G>T, p.Gly47Trp (NM_001278463.2, NM_001278464.2, NM_001278465.2 and 3 more transcripts); c.-67G>T (NM_001278466.2); short protein forms G47W.
Identifiers: ClinVar variation 2856888 (VCV002856888.3), dbSNP rs2540980725, ClinGen allele CA384363123.